The following is an entry in ClinVar:

NM_033225.6(CSMD1):c.4005G>C (p.Trp1335Cys)

Gene: CSMD1 (CUB and Sushi multiple domains 1; minus strand). Cytogenetic location: 8p23.2.
Variant type: single nucleotide variant.
Coding change: c.4005G>C on transcript NM_033225.6 (MANE Select); coding-DNA position 4005, G replaced by C.
Protein change: p.Trp1335Cys; replaces tryptophan 1335 with cysteine.
Molecular consequence: missense variant.
Genome position (GRCh38, 1-based): chr8:3,284,292, C>G on the plus strand (G>C on the coding strand, the complement: CSMD1 is on the minus strand). VCF-style: chr8-3284292-C-G. GRCh37 (hg19) VCF-style: chr8-3141814-C-G.
Other names: short protein forms W1335C.
Identifiers: ClinVar variation 3042270 (VCV003042270.2), dbSNP rs2486221568, ClinGen allele CA369980627.

ClinVar aggregate classification (germline): Uncertain significance (0 of 4 stars; one submission).

Conditions:
CSMD1-related disorder. Also called: CSMD1-related condition.

Submission:

PreventionGenetics, part of Exact Sciences
Classification: Uncertain significance for CSMD1-related condition. Last evaluated: 2023-11-08. Review status: no assertion criteria provided. Collection method: clinical testing. Allele origin: germline.
Comment: The CSMD1 c.4005G>C variant is predicted to result in the amino acid substitution p.Trp1335Cys. To our knowledge, this variant has not been reported in the literature or in a large population database, indicating this variant is rare. At this time, the clinical significance of this variant is uncertain due to the absence of conclusive functional and genetic evidence.